The following is an entry in ClinVar:

ClinVar aggregate classification (germline): Pathogenic. Review status: criteria provided, multiple submitters, no conflicts (2 of 4 stars). 2 submissions from 2 submitters: Pathogenic (2). Last evaluated 2024-03-05.

Conditions:
Neurofibromatosis, type 1 (NF1). Also called: Neurofibromatosis, type I; Peripheral type neurofibromatosis; VON RECKLINGHAUSEN DISEASE; NEUROFIBROMATOSIS, TYPE I, SOMATIC. Identifiers: Orphanet 636, MedGen C0027831, MONDO:0018975, OMIM 162200. Disease mechanism: loss of function.
Cardiovascular phenotype. Identifiers: MedGen CN230736.
Hereditary cancer-predisposing syndrome. Also called: Hereditary neoplastic syndrome; Hereditary Cancer Syndrome; Neoplastic Syndromes, Hereditary; Tumor predisposition. Identifiers: Orphanet 140162, MedGen C0027672, MeSH D009386, MONDO:0015356.

Submissions (2):

Ambry Genetics
Classification: Pathogenic for Cardiovascular phenotype; Hereditary cancer-predisposing syndrome. Last evaluated: 2024-03-05. Review status: criteria provided, single submitter. Criteria: Ambry Variant Classification Scheme 2023. Collection method: clinical testing. Allele origin: germline.
Comment: The c.953_956delAAAG pathogenic mutation, located in coding exon 9 of the NF1 gene, results from a deletion of 4 nucleotides at nucleotide positions 953 to 956, causing a translational frameshift with a predicted alternate stop codon (p.E318Vfs*57). This alteration was identified in a cohort of 427 Korean patients with a confirmed or suspected clinical diagnosis of neurofibromatosis type 1 (Kang E et al. J Hum Genet, 2020 Jan;65:79-89). In addition to the clinical data presented in the literature, this alteration is expected to result in loss of function by premature protein truncation or nonsense-mediated mRNA decay. As such, this alteration is interpreted as a disease-causing mutation.

Labcorp Genetics (formerly Invitae), Labcorp
Classification: Pathogenic for Neurofibromatosis, type 1. Last evaluated: 2023-09-03. Review status: criteria provided, single submitter. Criteria: Invitae Variant Classification Sherloc (09022015). Collection method: clinical testing. Allele origin: germline.
Comment: This sequence change creates a premature translational stop signal (p.Glu318Valfs*57) in the NF1 gene. It is expected to result in an absent or disrupted protein product. Loss-of-function variants in NF1 are known to be pathogenic (PMID: 10712197, 23913538). For these reasons, this variant has been classified as Pathogenic. This premature translational stop signal has been observed in individual(s) with neurofibromatosis type 1 (PMID: 26740943, 31776437). This variant is not present in population databases (gnomAD no frequency).

Literature cited by the submitters: PubMed 10712197 (cited by Labcorp Genetics (formerly Invitae), Labcorp); PubMed 23913538 (cited by Labcorp Genetics (formerly Invitae), Labcorp); PubMed 26740943 (cited by Labcorp Genetics (formerly Invitae), Labcorp); PubMed 31776437 (cited by Labcorp Genetics (formerly Invitae), Labcorp).

NM_001042492.3(NF1):c.953_956del (p.Glu318fs)

Gene: NF1 (neurofibromin 1; plus strand). Cytogenetic location: 17q11.2.
Variant type: Deletion.
Coding change: c.953_956del on transcript NM_001042492.3 (MANE Select); coding-DNA positions 953 to 956, 4 bases deleted (AAAG; older notation c.953_956delAAAG).
Protein change: p.Glu318fs; shifts the reading frame from glutamic acid 318.
Molecular consequence: frameshift variant.
Genome position (GRCh38, 1-based): chr17:31,200,486-31,200,489, AAAG deleted; deleting any 4 consecutive bases within chr17:31,200,484-31,200,489 gives the same sequence; the c. name uses the placement nearest the transcript's 3' end. VCF-style (leftmost placement, unchanged base first): chr17-31200483-CAGAA-C. GRCh37 (hg19) VCF-style: chr17-29527501-CAGAA-C.
Other names: c.953_956delAAAG (NM_000267.3); c.953_956delAAAG, p.Glu318Valfs (NM_000267.4); c.953_956del, p.Glu318fs (NM_001128147.3); short protein forms E318fs.
Identifiers: ClinVar variation 2736504 (VCV002736504.4), dbSNP rs2544793732, ClinGen allele CA2695224651.